The following is an entry in ClinVar:

NM_020245.5(TULP4):c.1631+3A>C

Gene: TULP4 (TUB like protein 4; plus strand). Cytogenetic location: 6q25.3.
Variant type: single nucleotide variant.
Coding change: c.1631+3A>C on transcript NM_020245.5 (MANE Select); 3 bases into the intron after coding-DNA position 1631, A replaced by C.
Molecular consequence: intron variant.
Genome position (GRCh38, 1-based): chr6:158,489,735, A>C. VCF-style: chr6-158489735-A-C. GRCh37 (hg19) VCF-style: chr6-158910767-A-C.
Other names: c.1631+3A>C (NM_001007466.3).
Identifiers: ClinVar variation 3025673 (VCV003025673.22), dbSNP rs2483802353, ClinGen allele CA2740091538.
Genomic context (GRCh38, chr6:158,489,735, plus strand): 5'-GGGCTGCCAAGAAATCTCCCAAAATCTCCAGAGCTAGCAAATCACCCAAACTCCCAAGGT[A>C]ATCTCAGTCTTTGGGGAGATCGTCCTTTCTTGTGCCTCTGAATATGTGTGTTTGTGCCTG-3'

ClinVar aggregate classification (germline): Uncertain significance (1 of 4 stars; one submission).

Submission:

CeGaT Center for Human Genetics Tuebingen
Classification: Uncertain significance. Last evaluated: 2023-12-01. Review status: criteria provided, single submitter. Criteria: CeGaT Center For Human Genetics Tuebingen Variant Classification Criteria Version 2. Collection method: clinical testing. Allele origin: germline. Affected: yes. Observed: 1 variant allele.
Comment: TULP4: PM2, PP3